The following is an entry in ClinVar:

NM_001374385.1(ATP8B1):c.2679T>C (p.Asp893=)

Genes: ATP8B1 (ATPase phospholipid transporting 8B1; minus strand), ATP8B1-AS1 (ATP8B1 antisense RNA 1; plus strand). Cytogenetic location: 18q21.31.
Variant type: single nucleotide variant.
Coding change: c.2679T>C on transcript NM_001374385.1 (MANE Select); coding-DNA position 2679, T replaced by C.
Protein change: p.Asp893=; no amino-acid change (aspartic acid 893 retained).
Molecular consequence: synonymous variant.
Genome position (GRCh38, 1-based): chr18:57,661,202, A>G on the plus strand (T>C on the coding strand, the complement: ATP8B1 is on the minus strand). VCF-style: chr18-57661202-A-G. GRCh37 (hg19) VCF-style: chr18-55328434-A-G.
Other names: c.2679T>C (NM_005603.4); c.2529T>C, p.Asp843= (NM_001374386.1); c.2679T>C, p.Asp893= (NM_005603.6).
Identifiers: ClinVar variation 2783862 (VCV002783862.4), dbSNP rs1308976671, ClinGen allele CA504017325.
Genomic context (GRCh38, chr18:57,661,202, plus strand): 5'-TGGGCCTCACTGGCCGTGGGTGCATGACTCACTTTTGATCATGTTCACGTCATTGGCCCC[A>G]TCTCCGATGGCCAGCGTGATGGCTTTCTTGTACCTCTTCACCAGGTCCACCACCATGGCC-3'
Protein context (NP_001361314.1, residues 883-903): YKKAITLAIG[Asp893=]GANDVNMIKT

ClinVar aggregate classification (germline): Likely benign. Review status: criteria provided, multiple submitters, no conflicts (2 of 4 stars). 2 submissions from 2 submitters: Likely benign (2). Last evaluated 2025-05-05.

Conditions:
ATP8B1-related disorder. Also called: ATP8B1-related condition; ATP8B1-related disorders.

Allele frequency attached by ClinVar (database versions not stated): gnomAD exomes below 0.00001.
gnomAD v4.1: 2 of 1,613,986 alleles (0.00012%); highest among the groups gnomAD compares: Admixed American, 0.0033%; no homozygotes.

Submissions (2):

PreventionGenetics, part of Exact Sciences
Classification: Likely benign for ATP8B1-related condition. Last evaluated: 2025-05-05. Review status: criteria provided, single submitter. Criteria: ACMG Guidelines, 2015. Collection method: clinical testing. Allele origin: germline.
Comment: This variant is classified as likely benign based on ACMG/AMP sequence variant interpretation guidelines (Richards et al. 2015 PMID: 25741868, with internal and published modifications).

Labcorp Genetics (formerly Invitae), Labcorp
Classification: Likely benign. Last evaluated: 2024-01-27. Review status: criteria provided, single submitter. Criteria: Invitae Variant Classification Sherloc (09022015). Collection method: clinical testing. Allele origin: germline.